The following is an entry in ClinVar:

ClinVar aggregate classification (germline): Benign (1 of 4 stars; one submission).

Conditions:
Familial adenomatous polyposis 1 (FAP1). Also called: POLYPOSIS, ADENOMATOUS INTESTINAL; FAMILIAL ADENOMATOUS POLYPOSIS 1, ATTENUATED. Identifiers: MedGen C2713442, MONDO:0021056, OMIM 175100. Disease mechanism: loss of function.

gnomAD v4.1: 1 of 1,563,982 alleles (0.000064%); highest among the groups gnomAD compares: African/African-American, 0.0014%; no homozygotes.

Submission:

Myriad Genetics, Inc.
Classification: Benign for Familial adenomatous polyposis 1. Last evaluated: 2024-03-08. Review status: criteria provided, single submitter. Criteria: Myriad Autosomal Dominant, Autosomal Recessive and X-Linked Classification Criteria (2023). Collection method: clinical testing. Allele origin: unknown.
Comment: This variant is considered benign. This variant is intronic and is not expected to impact mRNA splicing.

NM_000038.6(APC):c.1958+31G>A

Gene: APC (APC regulator of Wnt signaling pathway; plus strand). Cytogenetic location: 5q22.2.
Variant type: single nucleotide variant.
Coding change: c.1958+31G>A on transcript NM_000038.6 (MANE Select); 31 bases into the intron after coding-DNA position 1958, G replaced by A.
Molecular consequence: intron variant.
Genome position (GRCh38, 1-based): chr5:112,835,196, G>A. VCF-style: chr5-112835196-G-A. GRCh37 (hg19) VCF-style: chr5-112170893-G-A.
Other names: c.1109+31G>A (NM_001407470.1, NM_001354906.2); c.806+31G>A (NM_001407472.1, NM_001407471.1); c.2012+31G>A (NM_001407447.1, NM_001407448.1, NM_001407449.1 and 1 more transcripts); c.1958+31G>A (NM_001354895.2, NM_001407450.1, NM_001127510.3); c.1709+31G>A (NM_001407456.1, NM_001407457.1, NM_001407455.1 and 1 more transcripts); c.1655+31G>A (NM_001407460.1, NM_001407458.1, NM_001407459.1 and 1 more transcripts); c.1928+31G>A (NM_001407452.1); c.1571+31G>A (NM_001407469.1, NM_001407467.1); and 11 more.
Identifiers: ClinVar variation 3148201 (VCV003148201.1), dbSNP rs1561569812, ClinGen allele CA2674855641.
Genomic context (GRCh38, chr5:112,835,196, plus strand): 5'-CAGCTTGATAGCTACAAATGAGGACCACAGGTATATATAGAGTTTTATATTACTTTTAAA[G>A]TACAGAATTCATACTCTCAAAAAGACCTAATTGTAAGCAATGTTTTATATAATCATGAAA-3'